The following is an entry in ClinVar:

ClinVar aggregate classification (germline): Uncertain significance (1 of 4 stars; one submission).

Submission:

Labcorp Genetics (formerly Invitae), Labcorp
Classification: Uncertain significance. Last evaluated: 2022-08-27. Review status: criteria provided, single submitter. Criteria: Invitae Variant Classification Sherloc (09022015). Collection method: clinical testing. Allele origin: germline.
Comment: This variant has not been reported in the literature in individuals affected with PDX1-related conditions. This variant is not present in population databases (gnomAD no frequency). This sequence change replaces proline, which is neutral and non-polar, with serine, which is neutral and polar, at codon 253 of the PDX1 protein (p.Pro253Ser). Algorithms developed to predict the effect of missense changes on protein structure and function (SIFT, PolyPhen-2, Align-GVGD) all suggest that this variant is likely to be tolerated. In summary, the available evidence is currently insufficient to determine the role of this variant in disease. Therefore, it has been classified as a Variant of Uncertain Significance.

NM_000209.4(PDX1):c.757C>T (p.Pro253Ser)

Gene: PDX1 (pancreatic and duodenal homeobox 1; plus strand). Cytogenetic location: 13q12.2.
Variant type: single nucleotide variant.
Coding change: c.757C>T on transcript NM_000209.4 (MANE Select); coding-DNA position 757, C replaced by T.
Protein change: p.Pro253Ser; replaces proline 253 with serine.
Molecular consequence: missense variant.
Genome position (GRCh38, 1-based): chr13:27,924,606, C>T. VCF-style: chr13-27924606-C-T. GRCh37 (hg19) VCF-style: chr13-28498743-C-T.
Other names: short protein forms P253S.
Identifiers: ClinVar variation 2125158 (VCV002125158.4), dbSNP rs370787126, ClinGen allele CA247265589.